The following is an entry in ClinVar:

ClinVar aggregate classification (germline): Uncertain significance. Review status: criteria provided, multiple submitters, no conflicts (2 of 4 stars). 2 submissions from 2 submitters: Uncertain significance (2). Last evaluated 2024-04-25.

Conditions:
Brachyolmia-amelogenesis imperfecta syndrome. Also called: Tooth agenesis, selective, 6; Dental anomalies and short stature; PLATYSPONDYLY WITH AMELOGENESIS IMPERFECTA. Identifiers: Orphanet 2899, MedGen C1832594, MONDO:0011018, OMIM 601216. Disease mechanism: loss of function.
Inborn genetic diseases. Identifiers: MedGen C0950123, MeSH D030342.

Allele frequency attached by ClinVar (database versions not stated): gnomAD exomes 0.00001; ExAC 0.00007; gnomAD 0.00008; TOPMed 0.00012; 1000 Genomes Project 30x 0.00016; ESP Exome Variant Server 0.00017; 1000 Genomes Project 0.00040.

Submissions (2):

Labcorp Genetics (formerly Invitae), Labcorp
Classification: Uncertain significance for Brachyolmia-amelogenesis imperfecta syndrome. Last evaluated: 2024-04-25. Review status: criteria provided, single submitter. Criteria: Invitae Variant Classification Sherloc (09022015). Collection method: clinical testing. Allele origin: germline.
Comment: This sequence change replaces glycine, which is neutral and non-polar, with serine, which is neutral and polar, at codon 1234 of the LTBP3 protein (p.Gly1234Ser). This variant is present in population databases (rs372367914, gnomAD 0.03%). This variant has not been reported in the literature in individuals affected with LTBP3-related conditions. ClinVar contains an entry for this variant (Variation ID: 1491073). An algorithm developed to predict the effect of missense changes on protein structure and function (PolyPhen-2) suggests that this variant is likely to be disruptive. In summary, the available evidence is currently insufficient to determine the role of this variant in disease. Therefore, it has been classified as a Variant of Uncertain Significance.

Ambry Genetics
Classification: Uncertain significance for Inborn genetic diseases. Last evaluated: 2022-04-14. Review status: criteria provided, single submitter. Criteria: Ambry Variant Classification Scheme 2023. Collection method: clinical testing. Allele origin: germline.

NM_001130144.3(LTBP3):c.3700G>A (p.Gly1234Ser)

Gene: LTBP3 (latent transforming growth factor beta binding protein 3; minus strand). Cytogenetic location: 11q13.1.
Variant type: single nucleotide variant.
Coding change: c.3700G>A on transcript NM_001130144.3 (MANE Select); coding-DNA position 3700, G replaced by A.
Protein change: p.Gly1234Ser; replaces glycine 1234 with serine.
Molecular consequence: missense variant.
Genome position (GRCh38, 1-based): chr11:65,539,388, C>T on the plus strand (G>A on the coding strand, the complement: LTBP3 is on the minus strand). VCF-style: chr11-65539388-C-T. GRCh37 (hg19) VCF-style: chr11-65306859-C-T.
Other names: c.3208G>A, p.Gly1070Ser (NM_001164266.1); c.3559G>A, p.Gly1187Ser (NM_021070.4); c.3700G>A (NM_001130144.2); short protein forms G1070S, G1234S, G1187S.
Identifiers: ClinVar variation 1491073 (VCV001491073.9), dbSNP rs372367914, ClinGen allele CA6100198.